The following is an entry in ClinVar:

ClinVar aggregate classification (germline): Likely benign (1 of 4 stars; one submission).

Submission:

GeneDx
Classification: Likely benign. Last evaluated: 2016-08-13. Review status: criteria provided, single submitter. Criteria: GeneDx Variant Classification (06012015). Collection method: clinical testing. Allele origin: germline. Affected: yes.
Comment: This variant is considered likely benign or benign based on one or more of the following criteria: it is a conservative change, it occurs at a poorly conserved position in the protein, it is predicted to be benign by multiple in silico algorithms, and/or has population frequency not consistent with disease.

NM_005431.2(XRCC2):c.-29A>G

Gene: XRCC2 (X-ray repair cross complementing 2; minus strand). Cytogenetic location: 7q36.1.
Variant type: single nucleotide variant.
Coding change: c.-29A>G on transcript NM_005431.2 (MANE Select); 29 bases upstream of the start codon, A replaced by G.
Molecular consequence: 5 prime UTR variant.
Genome position (GRCh38, 1-based): chr7:152,676,108, T>C on the plus strand (A>G on the coding strand, the complement: XRCC2 is on the minus strand). VCF-style: chr7-152676108-T-C. GRCh37 (hg19) VCF-style: chr7-152373193-T-C.
Identifiers: ClinVar variation 388556 (VCV000388556.1), dbSNP rs1057523148, ClinGen allele CA16605203.